The following is an entry in ClinVar:

ClinVar aggregate classification (germline): Uncertain significance (1 of 4 stars; one submission).

Allele frequency attached by ClinVar (database versions not stated): TOPMed below 0.00001.

Submission:

Labcorp Genetics (formerly Invitae), Labcorp
Classification: Uncertain significance. Last evaluated: 2022-03-03. Review status: criteria provided, single submitter. Criteria: Invitae Variant Classification Sherloc (09022015). Collection method: clinical testing. Allele origin: germline.
Comment: This variant is not present in population databases (gnomAD no frequency). This sequence change falls in intron 11 of the TCF3 gene. It does not directly change the encoded amino acid sequence of the TCF3 protein. It affects a nucleotide within the consensus splice site. In summary, the available evidence is currently insufficient to determine the role of this variant in disease. Therefore, it has been classified as a Variant of Uncertain Significance. Variants that disrupt the consensus splice site are a relatively common cause of aberrant splicing (PMID: 17576681, 9536098). Algorithms developed to predict the effect of sequence changes on RNA splicing suggest that this variant is not likely to affect RNA splicing. This variant has not been reported in the literature in individuals affected with TCF3-related conditions.

Literature cited by the submitters: PubMed 17576681; PubMed 9536098.

NM_003200.5(TCF3):c.955+6G>T

Gene: TCF3 (transcription factor 3; minus strand). Cytogenetic location: 19p13.3.
Variant type: single nucleotide variant.
Coding change: c.955+6G>T on transcript NM_003200.5 (MANE Select); 6 bases into the intron after coding-DNA position 955, G replaced by T.
Molecular consequence: intron variant.
Genome position (GRCh38, 1-based): chr19:1,621,832, C>A on the plus strand (G>T on the coding strand, the complement: TCF3 is on the minus strand). VCF-style: chr19-1621832-C-A. GRCh37 (hg19) VCF-style: chr19-1621831-C-A.
Other names: c.955+6G>T (NM_001351778.2, NM_001136139.4, NM_001351779.2).
Identifiers: ClinVar variation 1350826 (VCV001350826.6), dbSNP rs762919209, ClinGen allele CA783687553.